The following is an entry in ClinVar:

NM_173354.5(SIK1):c.2279G>A (p.Gly760Glu)

Gene: SIK1 (salt inducible kinase 1; minus strand). Cytogenetic location: 21q22.3.
Variant type: single nucleotide variant.
Coding change: c.2279G>A on transcript NM_173354.5 (MANE Select); coding-DNA position 2279, G replaced by A.
Protein change: p.Gly760Glu; replaces glycine 760 with glutamic acid.
Molecular consequence: missense variant.
Genome position (GRCh38, 1-based): chr21:43,416,815, C>T on the plus strand (G>A on the coding strand, the complement: SIK1 is on the minus strand). VCF-style: chr21-43416815-C-T. GRCh37 (hg19) VCF-style: chr21-44836695-C-T.
Other names: short protein forms G760E.
Identifiers: ClinVar variation 2116534 (VCV002116534.4), dbSNP rs1205784111, ClinGen allele CA410606311.

ClinVar aggregate classification (germline): Uncertain significance (1 of 4 stars; one submission).

Conditions:
Developmental and epileptic encephalopathy, 30 (DEE30). Also called: Epileptic encephalopathy, early infantile, 30. Identifiers: MedGen C4225360, MONDO:0014595, OMIM 616341.

Submission:

Labcorp Genetics (formerly Invitae), Labcorp
Classification: Uncertain significance for Developmental and epileptic encephalopathy, 30. Last evaluated: 2022-05-08. Review status: criteria provided, single submitter. Criteria: Invitae Variant Classification Sherloc (09022015). Collection method: clinical testing. Allele origin: germline.
Comment: This variant has not been reported in the literature in individuals affected with SIK1-related conditions. This variant is not present in population databases (gnomAD no frequency). Advanced modeling of protein sequence and biophysical properties (such as structural, functional, and spatial information, amino acid conservation, physicochemical variation, residue mobility, and thermodynamic stability) performed at Invitae indicates that this missense variant is not expected to disrupt SIK1 protein function. In summary, the available evidence is currently insufficient to determine the role of this variant in disease. Therefore, it has been classified as a Variant of Uncertain Significance. This sequence change replaces glycine, which is neutral and non-polar, with glutamic acid, which is acidic and polar, at codon 760 of the SIK1 protein (p.Gly760Glu).